The following is an entry in ClinVar:

ClinVar aggregate classification (germline): Conflicting classifications of pathogenicity. Review status: criteria provided, conflicting classifications (1 of 4 stars). 4 submissions from 4 submitters: Likely pathogenic (1); Uncertain significance (2). 1 of the submissions does not count toward it. Last evaluated 2024-05-14.

Conditions:
Autosomal recessive limb-girdle muscular dystrophy type 2I. Also called: MUSCULAR DYSTROPHY, LIMB-GIRDLE, TYPE 2I; MUSCULAR DYSTROPHY-DYSTROGLYCANOPATHY (LIMB-GIRDLE), TYPE C, 5; MUSCULAR DYSTROPHY-DYSTROGLYCANOPATHY, LIMB-GIRDLE, FRKP-RELATED. Identifiers: Orphanet 34515, MedGen C1846672, MONDO:0011787, OMIM 607155.
Muscular dystrophy-dystroglycanopathy type B5 (MDDGB5). Also called: MUSCULAR DYSTROPHY, CONGENITAL, 1C; MUSCULAR DYSTROPHY, CONGENITAL, FKRP-RELATED; MUSCULAR DYSTROPHY-DYSTROGLYCANOPATHY (CONGENITAL WITH OR WITHOUT IMPAIRED INTELLECTUAL DEVELOPMENT), TYPE B, 5. Identifiers: MedGen C1847759, MONDO:0011688, OMIM 606612.
Muscular dystrophy-dystroglycanopathy (congenital with brain and eye anomalies), type A5. Also called: WALKER-WARBURG SYNDROME OR MUSCLE-EYE-BRAIN DISEASE, FKRP-RELATED; MUSCULAR DYSTROPHY-DYSTROGLYCANOPATHY (CONGENITAL WITH BRAIN AND EYE ANOMALIES), TYPE A, 5. Identifiers: Orphanet 588, Orphanet 899, MedGen C3150413, MONDO:0013157, OMIM 613153.
Walker-Warburg congenital muscular dystrophy. Also called: Muscular dystrophy-dystroglycanopathy, type A; Walker-Warburg syndrome. Identifiers: Orphanet 899, MedGen C0265221, MONDO:0000171.

gnomAD v4.1: 2 of 1,610,288 alleles (0.00012%); highest among the groups gnomAD compares: African/African-American, 0.0027%; no homozygotes.

Submissions (4):

Fulgent Genetics
Classification: Likely pathogenic for Muscular dystrophy-dystroglycanopathy type B5; Autosomal recessive limb-girdle muscular dystrophy type 2I; Muscular dystrophy-dystroglycanopathy (congenital with brain and eye anomalies), type A5. Last evaluated: 2024-05-14. Review status: criteria provided, single submitter. Criteria: ACMG Guidelines, 2015. Collection method: clinical testing. Allele origin: germline.

Blueprint Genetics
Classification: Uncertain significance. Last evaluated: 2024-03-25. Review status: criteria provided, single submitter. Criteria: ACMG Guidelines, 2015. Collection method: clinical testing. Allele origin: germline.

Labcorp Genetics (formerly Invitae), Labcorp
Classification: Uncertain significance for Walker-Warburg congenital muscular dystrophy. Last evaluated: 2021-08-31. Review status: criteria provided, single submitter. Criteria: Invitae Variant Classification Sherloc (09022015). Collection method: clinical testing. Allele origin: germline.
Comment: This sequence change replaces arginine with proline at codon 379 of the FKRP protein (p.Arg379Pro). The arginine residue is moderately conserved and there is a moderate physicochemical difference between arginine and proline. This variant is not present in population databases (ExAC no frequency). This variant has not been reported in the literature in individuals affected with FKRP-related conditions. Algorithms developed to predict the effect of missense changes on protein structure and function are either unavailable or do not agree on the potential impact of this missense change (SIFT: "Deleterious"; PolyPhen-2: "Probably Damaging"; Align-GVGD: "Class C0"). In summary, the available evidence is currently insufficient to determine the role of this variant in disease. Therefore, it has been classified as a Variant of Uncertain Significance.

Natera, Inc.
Classification: Uncertain significance for Limb-girdle muscular dystrophy type 2I. Last evaluated: 2020-08-07. Review status: no assertion criteria provided. Collection method: clinical testing. Allele origin: germline. Not counted in ClinVar's aggregate classification.

NM_024301.5(FKRP):c.1136G>C (p.Arg379Pro)

Gene: FKRP (fukutin related protein; plus strand). Cytogenetic location: 19q13.32.
Variant type: single nucleotide variant.
Coding change: c.1136G>C on transcript NM_024301.5 (MANE Select); coding-DNA position 1136, G replaced by C.
Protein change: p.Arg379Pro; replaces arginine 379 with proline.
Molecular consequence: missense variant.
Genome position (GRCh38, 1-based): chr19:46,756,586, G>C. VCF-style: chr19-46756586-G-C. GRCh37 (hg19) VCF-style: chr19-47259843-G-C.
Other names: c.1136G>C, p.Arg379Pro (NM_001039885.3); short protein forms R379P.
Identifiers: ClinVar variation 852042 (VCV000852042.9), dbSNP rs140217866, ClinGen allele CA309099778.